The following is an entry in ClinVar:

NM_004260.4(RECQL4):c.3254G>C (p.Cys1085Ser)

Gene: RECQL4 (RecQ like helicase 4; minus strand). Cytogenetic location: 8q24.3.
Variant type: single nucleotide variant.
Coding change: c.3254G>C on transcript NM_004260.4 (MANE Select); coding-DNA position 3254, G replaced by C.
Protein change: p.Cys1085Ser; replaces cysteine 1085 with serine.
Molecular consequence: missense variant.
Genome position (GRCh38, 1-based): chr8:144,512,050, C>G on the plus strand (G>C on the coding strand, the complement: RECQL4 is on the minus strand). VCF-style: chr8-144512050-C-G. GRCh37 (hg19) VCF-style: chr8-145737433-C-G.
Other names: c.2183G>C, p.Cys728Ser (NM_001413034.1, NM_001413035.1, NM_001413040.1 and 4 more transcripts); c.3254G>C, p.Cys1085Ser (NM_001413036.1); c.2051G>C, p.Cys684Ser (NM_001413037.1); c.1985G>C, p.Cys662Ser (NM_001413038.1, NM_001413031.1); c.3224G>C, p.Cys1075Ser (NM_001413039.1); c.2192G>C, p.Cys731Ser (NM_001413041.1); c.2153G>C, p.Cys718Ser (NM_001413042.1); c.1787G>C, p.Cys596Ser (NM_001413043.1); and 9 more; short protein forms C1041S, C684S, C728S, C753S, C968S, C1019S, C1085S, C1110S.
Identifiers: ClinVar variation 2139036 (VCV002139036.4), dbSNP rs1827324588, ClinGen allele CA372669270.

ClinVar aggregate classification (germline): Uncertain significance (1 of 4 stars; one submission).

Conditions:
Baller-Gerold syndrome (BGS). Also called: CRANIOSYNOSTOSIS WITH RADIAL DEFECTS. Identifiers: Orphanet 1225, MedGen C0265308, MONDO:0009039, OMIM 218600.

gnomAD v4.1: 1 of 1,608,576 alleles (0.000062%); no homozygotes.

Submission:

Labcorp Genetics (formerly Invitae), Labcorp
Classification: Uncertain significance for Baller-Gerold syndrome. Last evaluated: 2023-01-22. Review status: criteria provided, single submitter. Criteria: Invitae Variant Classification Sherloc (09022015). Collection method: clinical testing. Allele origin: germline.
Comment: In summary, the available evidence is currently insufficient to determine the role of this variant in disease. Therefore, it has been classified as a Variant of Uncertain Significance. Advanced modeling of protein sequence and biophysical properties (such as structural, functional, and spatial information, amino acid conservation, physicochemical variation, residue mobility, and thermodynamic stability) performed at Invitae indicates that this missense variant is not expected to disrupt RECQL4 protein function. This variant has not been reported in the literature in individuals affected with RECQL4-related conditions. This variant is not present in population databases (gnomAD no frequency). This sequence change replaces cysteine, which is neutral and slightly polar, with serine, which is neutral and polar, at codon 1085 of the RECQL4 protein (p.Cys1085Ser).